The following is an entry in ClinVar:

ClinVar aggregate classification (germline): Uncertain significance (1 of 4 stars; one submission).

Conditions:
Hereditary cancer-predisposing syndrome. Also called: Neoplastic Syndromes, Hereditary; Tumor predisposition; Hereditary Cancer Syndrome; Hereditary neoplastic syndrome. Identifiers: Orphanet 140162, MedGen C0027672, MeSH D009386, MONDO:0015356.

Submission:

Ambry Genetics
Classification: Uncertain significance for Hereditary cancer-predisposing syndrome. Last evaluated: 2022-10-08. Review status: criteria provided, single submitter. Criteria: Ambry Variant Classification Scheme 2023. Collection method: clinical testing. Allele origin: germline.
Comment: The p.R126S variant (also known as c.378A>T), located in coding exon 4 of the FANCC gene, results from an A to T substitution at nucleotide position 378. The arginine at codon 126 is replaced by serine, an amino acid with dissimilar properties. This amino acid position is conserved. In addition, this alteration is predicted to be tolerated by in silico analysis. Since supporting evidence is limited at this time, the clinical significance of this alteration remains unclear.

NM_000136.3(FANCC):c.378A>T (p.Arg126Ser)

Gene: FANCC (FA complementation group C; minus strand). Cytogenetic location: 9q22.32.
Variant type: single nucleotide variant.
Coding change: c.378A>T on transcript NM_000136.3 (MANE Select); coding-DNA position 378, A replaced by T.
Protein change: p.Arg126Ser; replaces arginine 126 with serine.
Molecular consequence: missense variant.
Genome position (GRCh38, 1-based): chr9:95,172,115, T>A on the plus strand (A>T on the coding strand, the complement: FANCC is on the minus strand). VCF-style: chr9-95172115-T-A. GRCh37 (hg19) VCF-style: chr9-97934397-T-A.
Other names: c.378A>T, p.Arg126Ser (NM_001243743.2, NM_001243744.2); short protein forms R126S.
Identifiers: ClinVar variation 1734915 (VCV001734915.2), dbSNP rs2541951207, ClinGen allele CA374338858.